The following is an entry in ClinVar:

ClinVar aggregate classification (germline): Uncertain significance (1 of 4 stars; one submission).

Conditions:
Koolen-de Vries syndrome (KDVS). Identifiers: Orphanet 96169, MedGen C1864871, MONDO:0012496, OMIM 610443.

Submission:

Labcorp Genetics (formerly Invitae), Labcorp
Classification: Uncertain significance for Koolen-de Vries syndrome. Last evaluated: 2022-10-25. Review status: criteria provided, single submitter. Criteria: Invitae Variant Classification Sherloc (09022015). Collection method: clinical testing. Allele origin: germline.
Comment: This sequence change replaces leucine, which is neutral and non-polar, with valine, which is neutral and non-polar, at codon 751 of the KANSL1 protein (p.Leu751Val). This variant is not present in population databases (gnomAD no frequency). This variant has not been reported in the literature in individuals affected with KANSL1-related conditions. Advanced modeling of protein sequence and biophysical properties (such as structural, functional, and spatial information, amino acid conservation, physicochemical variation, residue mobility, and thermodynamic stability) performed at Invitae indicates that this missense variant is not expected to disrupt KANSL1 protein function. In summary, the available evidence is currently insufficient to determine the role of this variant in disease. Therefore, it has been classified as a Variant of Uncertain Significance.

NM_015443.4(KANSL1):c.2251T>G (p.Leu751Val)

Gene: KANSL1 (KAT8 regulatory NSL complex subunit 1). Cytogenetic location: 17q21.31.
Variant type: single nucleotide variant.
Coding change: c.2251T>G on transcript NM_015443.4 (MANE Select); coding-DNA position 2251, T replaced by G.
Protein change: p.Leu751Val; replaces leucine 751 with valine.
Molecular consequence: missense variant.
Genome position (GRCh38, 1-based): chr17:46,039,168, A>C on the plus strand (T>G on the coding strand, the complement: KANSL1 is on the minus strand). VCF-style: chr17-46039168-A-C. GRCh37 (hg19) VCF-style: chr17-44116534-A-C.
Other names: c.2251T>G, p.Leu751Val (NM_001193465.2, NM_001193466.2, NM_001379198.1 and 8 more transcripts); c.2149T>G, p.Leu717Val (NM_001405859.1, NM_001405860.1, NM_001405861.1 and 1 more transcripts); c.985T>G, p.Leu329Val (NM_001405882.1, NM_001405883.1); short protein forms L751V, L329V, L717V.
Identifiers: ClinVar variation 2128557 (VCV002128557.4), dbSNP rs2510484083, ClinGen allele CA399981308.